The following is an entry in ClinVar:

ClinVar aggregate classification (germline): Uncertain significance. Review status: criteria provided, multiple submitters, no conflicts (2 of 4 stars). 2 submissions from 2 submitters: Uncertain significance (2). Last evaluated 2026-01-28.

Submissions (2):

Women's Health and Genetics/Laboratory Corporation of America, LabCorp
Classification: Uncertain significance. Last evaluated: 2026-01-28. Review status: criteria provided, single submitter. Criteria: LabCorp Variant Classification Summary - May 2015. Collection method: clinical testing. Allele origin: germline.
Comment: Variant summary: PMPCB c.1351C>T (p.Arg451X) results in a premature termination codon, predicted to cause a truncation of the encoded protein or absence of the protein due to nonsense mediated decay, however current evidence is not sufficient to establish loss of function as a mechanism for disease. The variant allele was found at a frequency of 2e-05 in 250924 control chromosomes. The available data on variant occurrences in the general population are insufficient to allow any conclusion about variant significance. To our knowledge, no occurrence of c.1351C>T in individuals affected with PMPCB-related conditions and no experimental evidence demonstrating its impact on protein function have been reported. No submitters have cited clinical-significance assessments for this variant to ClinVar. Based on the evidence outlined above, the variant was classified as uncertain significance.

Labcorp Genetics (formerly Invitae), Labcorp
Classification: Uncertain significance. Last evaluated: 2025-03-18. Review status: criteria provided, single submitter. Criteria: Invitae Variant Classification Sherloc (09022015). Collection method: clinical testing. Allele origin: germline.
Comment: This sequence change creates a premature translational stop signal (p.Arg451*) in the PMPCB gene. It is expected to result in an absent or disrupted protein product. However, the current clinical and genetic evidence is not sufficient to establish whether loss-of-function variants in PMPCB cause disease. This variant is present in population databases (rs560868240, gnomAD 0.005%). This variant has not been reported in the literature in individuals affected with PMPCB-related conditions. Algorithms developed to predict the effect of sequence changes on RNA splicing suggest that this variant may disrupt the consensus splice site. In summary, the available evidence is currently insufficient to determine the role of this variant in disease. Therefore, it has been classified as a Variant of Uncertain Significance.

NM_004279.3(PMPCB):c.1351C>T (p.Arg451Ter)

Gene: PMPCB (peptidase, mitochondrial processing subunit beta; plus strand). Cytogenetic location: 7q22.1.
Variant type: single nucleotide variant.
Coding change: c.1351C>T on transcript NM_004279.3 (MANE Select); coding-DNA position 1351, C replaced by T.
Protein change: p.Arg451Ter; replaces arginine 451 with a stop codon.
Molecular consequence: nonsense.
Genome position (GRCh38, 1-based): chr7:103,312,077, C>T. VCF-style: chr7-103312077-C-T. GRCh37 (hg19) VCF-style: chr7-102952524-C-T.
Other names: c.1351C>T, p.Arg451Ter (NM_001438231.1); short protein forms R451*.
Identifiers: ClinVar variation 4689114 (VCV004689114.2).